The following is an entry in ClinVar:

ClinVar aggregate classification (germline): Uncertain significance (1 of 4 stars; one submission).

Conditions:
GNAS-related disorder. Identifiers: MedGen CN380105.

gnomAD v4.1: 1 of 1,613,016 alleles (0.000062%); highest among the groups gnomAD compares: Non-Finnish European, 0.000085%; no homozygotes.

Submission:

PreventionGenetics, part of Exact Sciences
Classification: Uncertain significance for GNAS-related condition. Last evaluated: 2025-04-23. Review status: criteria provided, single submitter. Criteria: ACMG Guidelines, 2015. Collection method: clinical testing. Allele origin: germline.
Comment: The GNAS c.1783C>T variant is predicted to result in the amino acid substitution p.Arg595Trp. To our knowledge, this variant has not been reported in the literature. On the primary transcript (NM_000516) this variant is c.-36679C>T (Pre-Coding). To our knowledge, only large deletions in the above region are conclusively pathogenic for pseudohypoparathyroidism type-Ib (PHP-Ib) due to methylation defects (Turan and Bastepe. 2015. PubMed ID: 25851935). Although, in some studies single nucleotide variants (SNVs) within this region have been reported in related diseases, the pathogenicity of these variants is still uncertain (see for example in Table 3 of Long et al. 2018. PubMed ID: 30022773). This variant is not reported in a large population database (gnomAD). At this time, the clinical significance of this variant is uncertain due to the absence of conclusive functional and genetic evidence.

NM_080425.4(GNAS):c.1783C>T (p.Arg595Trp)

Gene: GNAS (GNAS complex locus; plus strand). Cytogenetic location: 20q13.32.
Variant type: single nucleotide variant.
Coding change: c.1783C>T on transcript NM_080425.4 (MANE Plus Clinical); coding-DNA position 1783, C replaced by T.
Protein change: p.Arg595Trp; replaces arginine 595 with tryptophan.
Molecular consequence: missense variant. On other transcripts: synonymous variant (2), intron variant (3).
Genome position (GRCh38, 1-based): chr20:58,855,048, C>T. VCF-style: chr20-58855048-C-T. GRCh37 (hg19) VCF-style: chr20-57430103-C-T.
Other names: c.1596C>T, p.Ile532= (NM_001077490.3, NM_001309883.1); c.1783C>T, p.Arg595Trp (NM_001410913.1); c.*42+14162C>T (NM_016592.5); c.43+14162C>T (NM_001410912.1); c.-39+13173C>T (NM_001309861.2); short protein forms R595W.
Identifiers: ClinVar variation 4979118 (VCV004979118.1).